The following is an entry in ClinVar:

NM_021922.3(FANCE):c.1031T>A (p.Leu344His)

Gene: FANCE (FA complementation group E; plus strand). Cytogenetic location: 6p21.31.
Variant type: single nucleotide variant.
Coding change: c.1031T>A on transcript NM_021922.3 (MANE Select); coding-DNA position 1031, T replaced by A.
Protein change: p.Leu344His; replaces leucine 344 with histidine.
Molecular consequence: missense variant.
Genome position (GRCh38, 1-based): chr6:35,458,358, T>A. VCF-style: chr6-35458358-T-A. GRCh37 (hg19) VCF-style: chr6-35426135-T-A.
Other names: short protein forms L344H.
Identifiers: ClinVar variation 1490216 (VCV001490216.8), dbSNP rs2150894790, ClinGen allele CA363775148.

ClinVar aggregate classification (germline): Uncertain significance (1 of 4 stars; one submission).

Conditions:
Fanconi anemia complementation group E (FANCE). Also called: FANCE-Related Fanconi Anemia. Identifiers: Orphanet 84, MedGen C3160739, MONDO:0010953, OMIM 600901.

Submission:

Labcorp Genetics (formerly Invitae), Labcorp
Classification: Uncertain significance for Fanconi anemia complementation group E. Last evaluated: 2024-04-29. Review status: criteria provided, single submitter. Criteria: Invitae Variant Classification Sherloc (09022015). Collection method: clinical testing. Allele origin: germline.
Comment: This sequence change replaces leucine, which is neutral and non-polar, with histidine, which is basic and polar, at codon 344 of the FANCE protein (p.Leu344His). This variant is not present in population databases (gnomAD no frequency). This variant has not been reported in the literature in individuals affected with FANCE-related conditions. ClinVar contains an entry for this variant (Variation ID: 1490216). Advanced modeling of protein sequence and biophysical properties (such as structural, functional, and spatial information, amino acid conservation, physicochemical variation, residue mobility, and thermodynamic stability) performed at Invitae indicates that this missense variant is expected to disrupt FANCE protein function with a positive predictive value of 80%. In summary, the available evidence is currently insufficient to determine the role of this variant in disease. Therefore, it has been classified as a Variant of Uncertain Significance.